The following is an entry in ClinVar:

ClinVar aggregate classification (germline): Likely benign (0 of 4 stars; one submission).

Conditions:
KIF22-related disorder. Also called: KIF22-related condition.

gnomAD v4.1: 3 of 1,613,904 alleles (0.00019%); highest among the groups gnomAD compares: Middle Eastern, 0.017%; no homozygotes.

Submission:

PreventionGenetics, part of Exact Sciences
Classification: Likely benign for KIF22-related condition. Last evaluated: 2023-01-18. Review status: no assertion criteria provided. Collection method: clinical testing. Allele origin: germline.
Comment: This variant is classified as likely benign based on ACMG/AMP sequence variant interpretation guidelines (Richards et al. 2015 PMID: 25741868, with internal and published modifications).

NM_007317.3(KIF22):c.189C>T (p.Pro63=)

Gene: KIF22 (kinesin family member 22; plus strand). Cytogenetic location: 16p11.2.
Variant type: single nucleotide variant.
Coding change: c.189C>T on transcript NM_007317.3 (MANE Select); coding-DNA position 189, C replaced by T.
Protein change: p.Pro63=; no amino-acid change (proline 63 retained).
Molecular consequence: synonymous variant. On other transcripts: 5 prime UTR variant (2).
Genome position (GRCh38, 1-based): chr16:29,797,011, C>T. VCF-style: chr16-29797011-C-T. GRCh37 (hg19) VCF-style: chr16-29808332-C-T.
Other names: c.-16C>T (NM_001256269.2, NM_001256270.1).
Identifiers: ClinVar variation 3051278 (VCV003051278.2), dbSNP rs748768577, ClinGen allele CA494570722.